The following is an entry in ClinVar:

ClinVar aggregate classification (germline): Uncertain significance (1 of 4 stars; one submission).

Allele frequency attached by ClinVar (database versions not stated): gnomAD exomes below 0.00001; TOPMed 0.00001.
gnomAD v4.1: 6 of 1,596,316 alleles (0.00038%); highest among the groups gnomAD compares: African/African-American, 0.0013%; no homozygotes.

Submission:

Labcorp Genetics (formerly Invitae), Labcorp
Classification: Uncertain significance. Last evaluated: 2022-08-09. Review status: criteria provided, single submitter. Criteria: Invitae Variant Classification Sherloc (09022015). Collection method: clinical testing. Allele origin: germline.
Comment: This sequence change falls in intron 15 of the SCP2 gene. It does not directly change the encoded amino acid sequence of the SCP2 protein. It affects a nucleotide within the consensus splice site. In summary, the available evidence is currently insufficient to determine the role of this variant in disease. Therefore, it has been classified as a Variant of Uncertain Significance. Variants that disrupt the consensus splice site are a relatively common cause of aberrant splicing (PMID: 17576681, 9536098). Algorithms developed to predict the effect of sequence changes on RNA splicing suggest that this variant may create or strengthen a splice site. This variant has not been reported in the literature in individuals affected with SCP2-related conditions. This variant is not present in population databases (gnomAD no frequency).

Literature cited by the submitters: PubMed 17576681; PubMed 9536098.

NM_002979.5(SCP2):c.1548+6T>C

Gene: SCP2 (sterol carrier protein 2; plus strand). Cytogenetic location: 1p32.3.
Variant type: single nucleotide variant.
Coding change: c.1548+6T>C on transcript NM_002979.5 (MANE Select); 6 bases into the intron after coding-DNA position 1548, T replaced by C.
Molecular consequence: intron variant.
Genome position (GRCh38, 1-based): chr1:53,047,943, T>C. VCF-style: chr1-53047943-T-C. GRCh37 (hg19) VCF-style: chr1-53513615-T-C.
Other names: c.1416+6T>C (NM_001193600.2); c.1476+6T>C (NM_001193599.2); c.1305+6T>C (NM_001193617.2); c.336+6T>C (NM_001007099.3); c.*26+6T>C (NM_001007250.3); c.327+6T>C (NM_001007100.3).
Identifiers: ClinVar variation 2114126 (VCV002114126.4), dbSNP rs1009644575, ClinGen allele CA22581819.
Genomic context (GRCh38, chr1:53,047,943, plus strand): 5'-AATGGCTGACTCAGACTTCCTGGCTTTAATGACTGGTAAAATGAATCCTCAGTCGGTAAG[T>C]ATGATGGAGCTTATATCCTGCTAGTAGGTAGGTCTTTCAGCCCTTTCTACTCCATCTCCT-3'